The following is an entry in ClinVar:

NM_032564.5(DGAT2):c.937A>G (p.Ile313Val)

Gene: DGAT2 (diacylglycerol O-acyltransferase 2; plus strand). Cytogenetic location: 11q13.5.
Variant type: single nucleotide variant.
Coding change: c.937A>G on transcript NM_032564.5 (MANE Select); coding-DNA position 937, A replaced by G.
Protein change: p.Ile313Val; replaces isoleucine 313 with valine.
Molecular consequence: missense variant.
Genome position (GRCh38, 1-based): chr11:75,798,354, A>G. VCF-style: chr11-75798354-A-G. GRCh37 (hg19) VCF-style: chr11-75509399-A-G.
Other names: p.Ile313Val; c.808A>G, p.Ile270Val (NM_001253891.2); short protein forms I270V, I313V.
Identifiers: ClinVar variation 2329052 (VCV002329052.3), dbSNP rs1331245188, ClinGen allele CA381899810.

ClinVar aggregate classification (germline): Uncertain significance. Review status: criteria provided, multiple submitters, no conflicts (2 of 4 stars). 2 submissions from 2 submitters: Uncertain significance (2). Last evaluated 2025-10-15.

Allele frequency attached by ClinVar (database versions not stated): gnomAD 0.00002; TOPMed 0.00001.
gnomAD v4.1: 9 of 1,614,012 alleles (0.00056%); highest among the groups gnomAD compares: African/African-American, 0.0013%; no homozygotes.

Submissions (2):

Ambry Genetics
Classification: Uncertain significance. Last evaluated: 2025-10-15. Review status: criteria provided, single submitter. Criteria: Ambry Variant Classification Scheme 2023. Collection method: clinical testing. Allele origin: germline.

Mayo Clinic Laboratories, Mayo Clinic
Classification: Uncertain significance. Last evaluated: 2025-07-09. Review status: criteria provided, single submitter. Criteria: ACMG Guidelines, 2015. Collection method: clinical testing. Allele origin: germline. Observed: 1 variant allele.
Comment: BP4_moderate